The following is an entry in ClinVar:

GRCh37/hg19 15q11.2(chr15:22770422-23620154)x1

Genes: CYFIP1 (cytoplasmic FMR1 interacting protein 1; minus strand), NIPA1 (NIPA magnesium transporter 1; plus strand), NIPA2 (NIPA magnesium transporter 2; plus strand), TUBGCP5 (tubulin gamma complex associated protein 5; minus strand). Cytogenetic location: 15q11.2.
Variant type: copy number loss.
Change: copy number 1 (one copy instead of two) of chr15:22,770,422-23,620,154 (849.7 kb, GRCh37 coordinates, 1-based), cytogenetic band 15q11.2.
Identifiers: ClinVar variation 1807750 (VCV001807750.1).

ClinVar aggregate classification (germline): Likely pathogenic (1 of 4 stars; one submission).

Submission:

Quest Diagnostics Nichols Institute San Juan Capistrano
Classification: Likely pathogenic. Last evaluated: 2021-08-25. Review status: criteria provided, single submitter. Criteria: ACMG/ClinGen CNV Guidelines, 2019. Collection method: clinical testing. Allele origin: unknown.
Comment: The 15q11.2 deletion interval is a recurrent genomic imbalance known as chromosome 15q11.2 deletion syndrome (OMIM 615656), which typically encompasses a 300-500 kb deletion of the Prader-Willi/Angelman BP1-BP2 interval including the non-imprinted genes: TUBGCP5 (608147), NIPA1 (608145), NIPA2 (608146), and CYFIP1 (606322). Individuals with this deletion are susceptible to neuropsychiatric or neurodevelopmental problems, including delayed psychomotor development, speech delay, autism spectrum disorder, attention deficit-hyperactivity disorder, obsessive-compulsive disorder, and possibly seizures (Butler M. J Intellect Disabil Res. 2017 Jun;61(6):568-579. PMID: 28387067; Cox et al., Int J Mol Sci. 2015 Feb 13;16(2):4068-82.PMID: 25689425; Vanlerberghe et al., Eur J Med Genet. 2015 Mar;58(3):140-7., PMID: 25596525; Cafferkey et al., Am J Med Genet A. (2014) 164(8):1916-22. PMID: 24715682; von der Lippe et al., Eur J Med Genet. 2011;54(3):357-60. PMID: 21187176; Doornbos et al., Eur J Med Genet. 2009;52(2-3):108-15. PMID:19328872; Mefford et al., 2010 PLoS Genet 6(5):e1000962. PMID: 20502679; de Kovel et al., 2010. Brain 133(Pt 1):23-32. PMID: 19843651). Additionally, multiple case control studies show a statistically significant enrichment of this deletion in the clinical population compared to controls (Coe et al., Nat Genet. 2014 Oct;46(10):1063-71., PMID: 25217958; Cooper et al., Nat Genet. 2011 Aug 14;43(9):838-46., PMID: 21841781; De Kovel et al., Brain. 2010 Jan;133(Pt 1):23-32., PMID: 19843651). The clinical significance of this recurrent deletion has been debated because similar deletions are repeatedly observed in uncharacterized controls and in unaffected relatives (Hashemi et al., Am J Med Genet A. 2015 Sep;167A(9):2098-102., PMID: 25946043). One report suggests that some individuals who carry this deletion may have a subclinical phenotype (Stefansson et al., Nature. 2014 Jan 16;505(7483):361-6., PMID: 24352232). Currently, this copy number variant would be considered likely pathogenic. However, because of variable phenotypic expressivity and incomplete penetrance, it is best interpreted as a susceptibility locus.